The following is an entry in ClinVar:

NM_015375.3(DSTYK):c.1982del (p.Gly661fs)

Gene: DSTYK (dual serine/threonine and tyrosine protein kinase; minus strand). Cytogenetic location: 1q32.1.
Variant type: Deletion.
Coding change: c.1982del on transcript NM_015375.3 (MANE Select); coding-DNA position 1982, one base deleted (G; older notation c.1982delG).
Protein change: p.Gly661fs; shifts the reading frame from glycine 661.
Molecular consequence: frameshift variant.
Genome position (GRCh38, 1-based): chr1:205,160,237, C deleted on the plus strand (G on the coding strand, the reverse complement: DSTYK is on the minus strand); the first of 4 consecutive C bases (chr1:205,160,237-205,160,240); deleting any one gives the same sequence. VCF-style (leftmost placement, unchanged base first): chr1-205160236-GC-G. GRCh37 (hg19) VCF-style: chr1-205129364-GC-G.
Other names: c.1982del, p.Gly661fs (NM_199462.3); short protein forms G661fs.
Identifiers: ClinVar variation 2701883 (VCV002701883.3), dbSNP rs2526820617, ClinGen allele CA645518718.

ClinVar aggregate classification (germline): Uncertain significance (1 of 4 stars; one submission).

Submission:

Labcorp Genetics (formerly Invitae), Labcorp
Classification: Uncertain significance. Last evaluated: 2023-12-09. Review status: criteria provided, single submitter. Criteria: Invitae Variant Classification Sherloc (09022015). Collection method: clinical testing. Allele origin: germline.
Comment: This sequence change creates a premature translational stop signal (p.Gly661Alafs*41) in the DSTYK gene. It is expected to result in an absent or disrupted protein product. However, the current clinical and genetic evidence is not sufficient to establish whether loss-of-function variants in DSTYK cause disease. This variant is not present in population databases (gnomAD no frequency). This variant has not been reported in the literature in individuals affected with DSTYK-related conditions. In summary, the available evidence is currently insufficient to determine the role of this variant in disease. Therefore, it has been classified as a Variant of Uncertain Significance.